The following is an entry in ClinVar:

NM_000218.3(KCNQ1):c.1923C>T (p.Pro641=)

Genes: KCNQ1 (potassium voltage-gated channel subfamily Q member 1; plus strand), KCNQ1-AS1 (KCNQ1 antisense RNA 1; minus strand). Cytogenetic location: 11p15.4.
Variant type: single nucleotide variant.
Coding change: c.1923C>T on transcript NM_000218.3 (MANE Select); coding-DNA position 1923, C replaced by T.
Protein change: p.Pro641=; no amino-acid change (proline 641 retained).
Molecular consequence: synonymous variant.
Genome position (GRCh38, 1-based): chr11:2,847,895, C>T. VCF-style: chr11-2847895-C-T. GRCh37 (hg19) VCF-style: chr11-2869125-C-T.
Other names: c.1827C>T, p.Pro609= (NM_001406836.1); c.1653C>T, p.Pro551= (NM_001406837.1); c.1383C>T, p.Pro461= (NM_001406838.1); c.435C>T, p.Pro145= (NM_001406839.1); c.1542C>T, p.Pro514= (NM_181798.2).
Identifiers: ClinVar variation 1782727 (VCV001782727.6), dbSNP rs1848366867, ClinGen allele CA472466758.

ClinVar aggregate classification (germline): Likely benign. Review status: criteria provided, multiple submitters, no conflicts (2 of 4 stars). 3 submissions from 3 submitters: Likely benign (3). Last evaluated 2024-07-20.

Conditions:
Cardiovascular phenotype. Identifiers: MedGen CN230736.
Long QT syndrome (LQTS). Identifiers: MedGen C0023976, MeSH D008133, MONDO:0002442. Disease mechanism: loss of function. Inheritance: Various modes of inheritance.

Allele frequency attached by ClinVar (database versions not stated): gnomAD exomes below 0.00001; TOPMed 0.00001.

Submissions (3):

All of Us Research Program, National Institutes of Health
Classification: Likely benign for Long QT syndrome. Last evaluated: 2024-07-20. Review status: criteria provided, single submitter. Criteria: ACMG Guidelines, 2015. Collection method: clinical testing. Allele origin: germline. Inheritance: Autosomal dominant inheritance. Observed: 1 variant allele, 1 heterozygote.
Comment: This study involves interpretation of variants in research participants for the purpose of population health screening. Participant phenotype was not available at the time of variant classification. Additional details can be found in publication PMID: 35346344, PMCID: PMC8962531

Labcorp Genetics (formerly Invitae), Labcorp
Classification: Likely benign for Long QT syndrome. Last evaluated: 2023-09-17. Review status: criteria provided, single submitter. Criteria: Invitae Variant Classification Sherloc (09022015). Collection method: clinical testing. Allele origin: germline.

Ambry Genetics
Classification: Likely benign for Cardiovascular phenotype. Last evaluated: 2022-09-24. Review status: criteria provided, single submitter. Criteria: Ambry Variant Classification Scheme 2023. Collection method: clinical testing. Allele origin: germline.